The following is an entry in ClinVar:

ClinVar aggregate classification (germline): Uncertain significance. Review status: criteria provided, multiple submitters, no conflicts (2 of 4 stars). 2 submissions from 2 submitters: Uncertain significance (2). Last evaluated 2026-05-23.

Conditions:
Inborn genetic diseases. Identifiers: MedGen C0950123, MeSH D030342.

Allele frequency attached by ClinVar (database versions not stated): gnomAD 0.00001; ExAC 0.00001; gnomAD exomes below 0.00001; TOPMed 0.00003.
gnomAD v4.1: 3 of 1,614,106 alleles (0.00019%); highest among the groups gnomAD compares: Admixed American, 0.0017%; no homozygotes.

Submissions (2):

Ambry Genetics
Classification: Uncertain significance for Inborn genetic diseases. Last evaluated: 2026-05-23. Review status: criteria provided, single submitter. Criteria: Ambry Variant Classification Scheme 2023. Collection method: clinical testing. Allele origin: germline.

Labcorp Genetics (formerly Invitae), Labcorp
Classification: Uncertain significance. Last evaluated: 2025-10-01. Review status: criteria provided, single submitter. Criteria: Invitae Variant Classification Sherloc (09022015). Collection method: clinical testing. Allele origin: germline.
Comment: This sequence change replaces leucine, which is neutral and non-polar, with valine, which is neutral and non-polar, at codon 510 of the LRP5 protein (p.Leu510Val). This variant is present in population databases (rs752625747, gnomAD 0.0009%). This missense change has been observed in individual(s) with familial exudative vitreoretinopathy (internal data). ClinVar contains an entry for this variant (Variation ID: 834386). Invitae Evidence Modeling of protein sequence and biophysical properties (such as structural, functional, and spatial information, amino acid conservation, physicochemical variation, residue mobility, and thermodynamic stability) indicates that this missense variant is not expected to disrupt LRP5 protein function with a negative predictive value of 95%. In summary, the available evidence is currently insufficient to determine the role of this variant in disease. Therefore, it has been classified as a Variant of Uncertain Significance.

NM_002335.4(LRP5):c.1528C>G (p.Leu510Val)

Gene: LRP5 (LDL receptor related protein 5; plus strand). Cytogenetic location: 11q13.2.
Variant type: single nucleotide variant.
Coding change: c.1528C>G on transcript NM_002335.4 (MANE Select); coding-DNA position 1528, C replaced by G.
Protein change: p.Leu510Val; replaces leucine 510 with valine.
Molecular consequence: missense variant. On other transcripts: intron variant (1).
Genome position (GRCh38, 1-based): chr11:68,389,996, C>G. VCF-style: chr11-68389996-C-G. GRCh37 (hg19) VCF-style: chr11-68157464-C-G.
Other names: c.1528C>G (NM_002335.2); c.-354+3284C>G (NM_001291902.2); short protein forms L510V.
Identifiers: ClinVar variation 834386 (VCV000834386.9), dbSNP rs752625747, ClinGen allele CA6149358.